The following is an entry in ClinVar:

NM_000548.5(TSC2):c.1824C>T (p.Ser608=)

Gene: TSC2 (TSC complex subunit 2; plus strand). Cytogenetic location: 16p13.3.
Variant type: single nucleotide variant.
Coding change: c.1824C>T on transcript NM_000548.5 (MANE Select); coding-DNA position 1824, C replaced by T.
Protein change: p.Ser608=; no amino-acid change (serine 608 retained).
Molecular consequence: synonymous variant.
Genome position (GRCh38, 1-based): chr16:2,070,563, C>T. VCF-style: chr16-2070563-C-T. GRCh37 (hg19) VCF-style: chr16-2120564-C-T.
Other names: c.1824C>T, p.Ser608= (NM_001077183.3, NM_001114382.3, NM_001363528.2 and 3 more transcripts); c.1713C>T, p.Ser571= (NM_001318827.2); c.1677C>T, p.Ser559= (NM_001318829.2); c.1224C>T, p.Ser408= (NM_001318831.2); c.1857C>T, p.Ser619= (NM_001318832.2).
Identifiers: ClinVar variation 256622 (VCV000256622.17), dbSNP rs886038351, ClinGen allele CA10587225.

ClinVar aggregate classification (germline): Benign/Likely benign. Review status: criteria provided, multiple submitters, no conflicts (2 of 4 stars). 5 submissions from 5 submitters: Benign (2); Likely benign (3). Last evaluated 2025-05-15.

Conditions:
Hereditary cancer-predisposing syndrome. Also called: Neoplastic Syndromes, Hereditary; Hereditary neoplastic syndrome; Hereditary Cancer Syndrome; Tumor predisposition. Identifiers: Orphanet 140162, MedGen C0027672, MeSH D009386, MONDO:0015356.
Tuberous sclerosis 2 (TSC2). Identifiers: Orphanet 805, MedGen C1860707, MONDO:0013199, OMIM 613254.

Submissions (5):

Myriad Genetics, Inc.
Classification: Benign for Tuberous sclerosis 2. Last evaluated: 2025-05-15. Review status: criteria provided, single submitter. Criteria: Myriad Autosomal Dominant, Autosomal Recessive and X-Linked Classification Criteria (2023). Collection method: clinical testing. Allele origin: unknown.
Comment: This variant is considered benign. This variant is a silent/synonymous amino acid change and it is not expected to impact splicing.

Labcorp Genetics (formerly Invitae), Labcorp
Classification: Likely benign for Tuberous sclerosis 2. Last evaluated: 2022-11-28. Review status: criteria provided, single submitter. Criteria: Invitae Variant Classification Sherloc (09022015). Collection method: clinical testing. Allele origin: germline.

Genome-Nilou Lab
Classification: Benign for Tuberous sclerosis 2. Last evaluated: 2021-11-07. Review status: criteria provided, single submitter. Criteria: ACMG Guidelines, 2015. Collection method: clinical testing. Allele origin: germline. Affected: no.

Ambry Genetics
Classification: Likely benign for Hereditary cancer-predisposing syndrome. Last evaluated: 2021-09-20. Review status: criteria provided, single submitter. Criteria: Ambry Variant Classification Scheme 2023. Collection method: clinical testing. Allele origin: germline.

PreventionGenetics, part of Exact Sciences
Classification: Likely benign. Review status: criteria provided, single submitter. Criteria: ACMG Guidelines, 2015. Collection method: clinical testing. Allele origin: germline.